The following is an entry in ClinVar:

NM_018229.4(AP5M1):c.97C>T (p.Arg33Ter)

Gene: AP5M1 (adaptor related protein complex 5 subunit mu 1; plus strand). Cytogenetic location: 14q22.3.
Variant type: single nucleotide variant.
Coding change: c.97C>T on transcript NM_018229.4 (MANE Select); coding-DNA position 97, C replaced by T.
Protein change: p.Arg33Ter; replaces arginine 33 with a stop codon.
Molecular consequence: nonsense.
Genome position (GRCh38, 1-based): chr14:57,274,266, C>T. VCF-style: chr14-57274266-C-T. GRCh37 (hg19) VCF-style: chr14-57740984-C-T.
Other names: NC_000014.8:g.57740984C>T; NP_060699.3:p.(Arg33Ter); short protein forms R33*.
Identifiers: ClinVar variation 3777714 (VCV003777714.1).

ClinVar aggregate classification (germline): Likely pathogenic (1 of 4 stars; one submission).

Conditions:
Macular dystrophy with or without extraocular features.

gnomAD v4.1: 7 of 1,609,800 alleles (0.00043%); highest among the groups gnomAD compares: Admixed American, 0.005%; no homozygotes.

Submission:

Ophthalmic Genetics Group, Institute of Molecular and Clinical Ophthalmology Basel
Classification: Likely pathogenic for Macular dystrophy with or without extraocular features. Last evaluated: 2024-12-17. Review status: criteria provided, single submitter. Criteria: ACMG Guidelines, 2015. Collection method: research. Allele origin: germline. Affected: yes. Observed: 1 variant allele.
Comment: This stopgain change is introducing a premature termination codon at amino acid position 33, and likely results in a nonsense-mediated mRNA decay. This variant has a low population frequency based on gnomAD v2.1.1. This variant was classified as Likely pathogenic based on ACMG criteria: PVS1_vstrong, PM2_mod.

Literature cited by the submitters: PubMed 40081374.